The following is an entry in ClinVar:

NM_020549.5(CHAT):c.1635-263del

Gene: CHAT (choline O-acetyltransferase; plus strand). Cytogenetic location: 10q11.23.
Variant type: Deletion.
Coding change: c.1635-263del on transcript NM_020549.5 (MANE Select); 263 bases into the intron before coding-DNA position 1635, one base deleted (T; older notation c.1635-263delT).
Molecular consequence: intron variant.
Genome position (GRCh38, 1-based): chr10:49,654,832, T deleted; the last of 8 consecutive T bases (chr10:49,654,825-49,654,832); deleting any one gives the same sequence. VCF-style (leftmost placement, unchanged base first): chr10-49654824-AT-A. GRCh37 (hg19) VCF-style: chr10-50862870-AT-A.
Other names: c.1281-263del (NM_020984.4, NM_020985.4, NM_020986.4 and 2 more transcripts); c.1389-263del (NM_001142933.2).
Identifiers: ClinVar variation 673464 (VCV000673464.1), dbSNP rs11330862, ClinGen allele CA206641376.
Genomic context (GRCh38, chr10:49,654,824, plus strand): 5'-GTGCTGTTCATCAAACACTCAGGTCTCACAGAAAACTCTAGGTTTCCCACCAGGTTGGGA[AT>A]TTTTTTTGAAGCGCTACCCGTCACTTCTTTATTTTATGTCAGTGCAGCATCCCCGGGTGT-3'

ClinVar aggregate classification (germline): Benign (1 of 4 stars; one submission).

Submission:

GeneDx
Classification: Benign. Last evaluated: 2018-06-16. Review status: criteria provided, single submitter. Criteria: GeneDx Variant Classification (06012015). Collection method: clinical testing. Allele origin: germline. Affected: yes.
Comment: This variant is considered likely benign or benign based on one or more of the following criteria: it is a conservative change, it occurs at a poorly conserved position in the protein, it is predicted to be benign by multiple in silico algorithms, and/or has population frequency not consistent with disease.